The following is an entry in ClinVar:

ClinVar aggregate classification (germline): Likely benign (1 of 4 stars; one submission).

Conditions:
CFTR-related disorder (CFTR-RD). Also called: CFTR-related disorders; CFTR-related condition. Identifiers: MedGen C5924204, MONDO:7770004.

Submission:

PreventionGenetics, part of Exact Sciences
Classification: Likely benign for CFTR-related condition. Last evaluated: 2025-03-15. Review status: criteria provided, single submitter. Criteria: ACMG Guidelines, 2015. Collection method: clinical testing. Allele origin: germline.
Comment: This variant is classified as likely benign based on ACMG/AMP sequence variant interpretation guidelines (Richards et al. 2015 PMID: 25741868, with internal and published modifications).

NM_000492.4(CFTR):c.1584+69G>C

Genes: CFTR (CF transmembrane conductance regulator; plus strand), CFTR-AS1 (CFTR antisense RNA 1; minus strand). Cytogenetic location: 7q31.2.
Variant type: single nucleotide variant.
Coding change: c.1584+69G>C on transcript NM_000492.4 (MANE Select); 69 bases into the intron after coding-DNA position 1584, G replaced by C.
Molecular consequence: intron variant.
Genome position (GRCh38, 1-based): chr7:117,559,724, G>C. VCF-style: chr7-117559724-G-C. GRCh37 (hg19) VCF-style: chr7-117199778-G-C.
Identifiers: ClinVar variation 4999731 (VCV004999731.1).
Genomic context (GRCh38, chr7:117,559,724, plus strand): 5'-CTATGTGAAAACTTTTTGATTATGCATATGAACCCTTCACACTACCCAAATTATATATTT[G>C]GCTCCATATTCAATCGGTTAGTCTACATATATTTATGTTTCCTCTATGGGTAAGCTACTG-3'